The following is an entry in ClinVar:

NC_000002.11:g.(?_39278265)_(39347563_?)dup

Gene: SOS1 (SOS Ras/Rac guanine nucleotide exchange factor 1; minus strand). Cytogenetic location: 2p22.1.
Variant type: Duplication.
Identifiers: ClinVar variation 1411394 (VCV001411394.5).

ClinVar aggregate classification (germline): Uncertain significance (1 of 4 stars; one submission).

Conditions:
RASopathy. Also called: Noonan spectrum disorder; rasopathies. Identifiers: Orphanet 536391, MedGen C5555857, MONDO:0021060.

Submission:

Labcorp Genetics (formerly Invitae), Labcorp
Classification: Uncertain significance for RASopathy. Last evaluated: 2023-12-21. Review status: criteria provided, single submitter. Criteria: Invitae Variant Classification Sherloc (09022015). Collection method: clinical testing. Allele origin: germline.
Comment: This variant results in a copy number gain of the genomic region encompassing exon(s) 1-6 of the SOS1 gene. This region includes the initiator codon of the gene. This copy number gain extends beyond the assayed region for this gene and therefore may encompass additional genes. As the precise location of this event is unknown, it may be in tandem or it may be located elsewhere in the genome. This variant has not been reported in the literature in individuals affected with SOS1-related conditions. In summary, the available evidence is currently insufficient to determine the role of this variant in disease. Therefore, it has been classified as a Variant of Uncertain Significance.